The following is an entry in ClinVar:

ClinVar aggregate classification (germline): Uncertain significance (1 of 4 stars; one submission).

Conditions:
Inborn genetic diseases. Identifiers: MedGen C0950123, MeSH D030342.

Submission:

Ambry Genetics
Classification: Uncertain significance for Inborn genetic diseases. Last evaluated: 2022-04-07. Review status: criteria provided, single submitter. Criteria: Ambry Variant Classification Scheme 2023. Collection method: clinical testing. Allele origin: germline.
Comment: The p.D4258E variant (also known as c.12774T>A), located in coding exon 69 of the DST gene, results from a T to A substitution at nucleotide position 12774. The aspartic acid at codon 4258 is replaced by glutamic acid, an amino acid with highly similar properties. This amino acid position is highly conserved in available vertebrate species. In addition, the in silico prediction for this alteration is inconclusive. Since supporting evidence is limited at this time, the clinical significance of this alteration remains unclear.

NM_001374736.1(DST):c.19131T>A (p.Asp6377Glu)

Gene: DST (dystonin; minus strand). Cytogenetic location: 6p12.1.
Variant type: single nucleotide variant.
Coding change: c.19131T>A on transcript NM_001374736.1 (MANE Select); coding-DNA position 19131, T replaced by A.
Protein change: p.Asp6377Glu; replaces aspartic acid 6377 with glutamic acid.
Molecular consequence: missense variant.
Genome position (GRCh38, 1-based): chr6:56,508,637, A>T on the plus strand (T>A on the coding strand, the complement: DST is on the minus strand). VCF-style: chr6-56508637-A-T. GRCh37 (hg19) VCF-style: chr6-56373435-A-T.
Other names: c.12774T>A, p.Asp4258Glu (NM_001144769.5); c.12360T>A, p.Asp4120Glu (NM_001144770.2); c.19131T>A, p.Asp6377Glu (NM_001374722.1); c.18171T>A, p.Asp6057Glu (NM_001374729.1); c.11913T>A, p.Asp3971Glu (NM_001374730.1); c.19158T>A, p.Asp6386Glu (NM_001374734.1); c.12240T>A, p.Asp4080Glu (NM_001386100.1, NM_183380.4); c.11262T>A, p.Asp3754Glu (NM_015548.5); short protein forms D3971E, D4080E, D4258E, D6377E, D4120E, D3754E, D6057E, D6386E.
Identifiers: ClinVar variation 1766760 (VCV001766760.2), dbSNP rs1160998768, ClinGen allele CA364523557.
Genomic context (GRCh38, chr6:56,508,637, plus strand): 5'-ATCTTCCAGGTCCCGGATGAAATCTTGAGTATCTTTAATGGTAACTATCAATGACATGTG[A>T]TCACACCAGAACTTTTCTGCTAGCTCCATCACATCCAGTAGTTTGGCTTCCCTCTCTTCC-3'
Protein context (NP_001361665.1, residues 6367-6387): VMELAEKFWC[Asp6377Glu]HMSLIVTIKD